The following is an entry in ClinVar:

NM_000497.4(CYP11B1):c.1488C>T (p.Leu496=)

Genes: CYP11B1 (cytochrome P450 family 11 subfamily B member 1; minus strand), LOC106799833 (CYP11B1 recombination region; plus strand). Cytogenetic location: 8q24.3.
Variant type: single nucleotide variant.
Coding change: c.1488C>T on transcript NM_000497.4 (MANE Select); coding-DNA position 1488, C replaced by T.
Protein change: p.Leu496=; no amino-acid change (leucine 496 retained).
Molecular consequence: synonymous variant.
Genome position (GRCh38, 1-based): chr8:142,874,397, G>A on the plus strand (C>T on the coding strand, the complement: CYP11B1 is on the minus strand). VCF-style: chr8-142874397-G-A. GRCh37 (hg19) VCF-style: chr8-143955813-G-A.
Other names: c.1290C>T, p.Leu430= (NM_001026213.1).
Identifiers: ClinVar variation 362144 (VCV000362144.14), dbSNP rs776766470, ClinGen allele CA4904939.

ClinVar aggregate classification (germline): Conflicting classifications of pathogenicity. Review status: criteria provided, conflicting classifications (1 of 4 stars). 4 submissions from 3 submitters: Uncertain significance (1); Likely benign (3). Last evaluated 2025-02-21.

Conditions:
Glucocorticoid-remediable aldosteronism. Also called: Hyperaldosteronism, familial, type I; ACTH-DEPENDENT HYPERALDOSTERONISM SYNDROME; ALDOSTERONISM, SENSITIVE TO DEXAMETHASONE; FH I; GLUCOCORTICOID-SUPPRESSIBLE HYPERALDOSTERONISM. Identifiers: Orphanet 403, MedGen C3838731, MONDO:0007080, OMIM 103900.
Deficiency of steroid 11-beta-monooxygenase (CYP11B1). Also called: ADRENAL HYPERPLASIA, CONGENITAL, DUE TO STEROID 11-BETA-HYDROXYLASE DEFICIENCY; 11-BETA-HYDROXYLASE DEFICIENCY; ADRENAL HYPERPLASIA IV; P450C11B1 DEFICIENCY; STEROID 11-BETA-HYDROXYLASE DEFICIENCY; Congenital adrenal hyperplasia due to 11-beta-hydroxylase deficiency. Identifiers: Orphanet 90795, MedGen C0268292, MONDO:0008729, OMIM 202010. Disease mechanism: loss of function.

gnomAD v4.1: 30 of 1,613,688 alleles (0.0019%); highest among the groups gnomAD compares: South Asian, 0.015%; no homozygotes.

Submissions (4):

Women's Health and Genetics/Laboratory Corporation of America, LabCorp
Classification: Likely benign. Last evaluated: 2025-02-21. Review status: criteria provided, single submitter. Criteria: LabCorp Variant Classification Summary - May 2015. Collection method: clinical testing. Allele origin: germline.

Labcorp Genetics (formerly Invitae), Labcorp
Classification: Likely benign. Last evaluated: 2024-01-29. Review status: criteria provided, single submitter. Criteria: Invitae Variant Classification Sherloc (09022015). Collection method: clinical testing. Allele origin: germline.

Illumina Laboratory Services, Illumina
Classification: Likely benign for Glucocorticoid-remediable aldosteronism. Last evaluated: 2018-01-12. Review status: criteria provided, single submitter. Criteria: ICSL Variant Classification Criteria 13 December 2019. Collection method: clinical testing. Allele origin: germline.
Comment: This variant was observed in the ICSL laboratory as part of a predisposition screen in an ostensibly healthy population. It had not been previously curated by ICSL or reported in the Human Gene Mutation Database (HGMD: prior to June 1st, 2018), and was therefore a candidate for classification through an automated scoring system. Utilizing variant allele frequency, disease prevalence and penetrance estimates, and inheritance mode, an automated score was calculated to assess if this variant is too frequent to cause the disease. Based on the score and internal cut-off values, a variant classified as likely benign is not then subjected to further curation. The score for this variant resulted in a classification of likely benign for this disease.

Illumina Laboratory Services, Illumina
Classification: Uncertain significance for Deficiency of steroid 11-beta-monooxygenase. Last evaluated: 2018-01-12. Review status: criteria provided, single submitter. Criteria: ICSL Variant Classification Criteria 13 December 2019. Collection method: clinical testing. Allele origin: germline.